The following is an entry in ClinVar:

ClinVar aggregate classification (germline): Pathogenic/Likely pathogenic. Review status: criteria provided, multiple submitters, no conflicts (2 of 4 stars). 6 submissions from 6 submitters: Pathogenic (3); Likely pathogenic (2). 1 of the submissions does not count toward it. Last evaluated 2024-12-20.

Conditions:
IFNAR2-related disorders.
Primary immunodeficiency with post-measles-mumps-rubella vaccine viral infection. Also called: Immunodeficiency 44. Identifiers: Orphanet 431166, MedGen C4225260, MONDO:0014715, OMIM 616636.
Immunodeficiency 45 (IMD45). Identifiers: MedGen C4225252, MONDO:0014727, OMIM 616669.

Submissions (6):

GeneDx
Classification: Pathogenic. Last evaluated: 2024-12-20. Review status: criteria provided, single submitter. Criteria: GeneDx Variant Classification Process June 2021. Collection method: clinical testing. Allele origin: germline. Affected: yes.
Comment: Nonsense variant predicted to result in protein truncation or nonsense mediated decay in a gene for which loss of function is a known mechanism of disease; Not observed at significant frequency in large population cohorts (gnomAD); This variant is associated with the following publications: (PMID: 35486090, 33193576)

Blueprint Genetics
Classification: Likely pathogenic for IFNAR2-related disorders. Last evaluated: 2024-07-26. Review status: criteria provided, single submitter. Criteria: ACMG Guidelines, 2015. Collection method: clinical testing. Allele origin: germline. Affected: yes. Observed: 3 variant alleles.

Department of Pathology and Laboratory Medicine, Sinai Health System
Classification: Likely pathogenic for immunodeficiency 45. Last evaluated: 2023-04-24. Review status: criteria provided, single submitter. Criteria: ACMG Guidelines, 2015. Collection method: research. Allele origin: germline.

Labcorp Genetics (formerly Invitae), Labcorp
Classification: Pathogenic. Last evaluated: 2022-08-15. Review status: criteria provided, single submitter. Criteria: Invitae Variant Classification Sherloc (09022015). Collection method: clinical testing. Allele origin: germline.
Comment: ClinVar contains an entry for this variant (Variation ID: 977219). This variant is also known as c.234delT. This premature translational stop signal has been observed in individual(s) with hemophagocytic lymphohistiocytosis (PMID: 33193576). This variant is present in population databases (no rsID available, gnomAD 0.002%). This sequence change creates a premature translational stop signal (p.Leu79*) in the IFNAR2 gene. It is expected to result in an absent or disrupted protein product. Loss-of-function variants in IFNAR2 are known to be pathogenic (PMID: 26424569, 33193576). For these reasons, this variant has been classified as Pathogenic.

Laboratory of Medical Genetics Unit, Bambino Gesù Children's Hospital
Classification: Pathogenic for Primary immunodeficiency with post-measles-mumps-rubella vaccine viral infection. Last evaluated: 2020-04-24. Review status: criteria provided, single submitter. Criteria: ACMG Guidelines, 2015. Collection method: case-control. Allele origin: germline. Inheritance: Autosomal recessive inheritance. Affected: yes. Observed: 1 compound heterozygote.
Comment: Additionally, ex vivo functional studies indicate that the Leu79Ter variant causes an impairment of type I IFN-mediated responses (Passarelli, submitted). In summary, the Leu79Ter variant meets our criteria to be classified as pathogenic based upon segregation studies, absence from controls and functional evidence.

OMIM
Classification: Pathogenic for IMMUNODEFICIENCY 45. Last evaluated: 2021-11-19. Review status: no assertion criteria provided. Collection method: literature only. Allele origin: germline. Not counted in ClinVar's aggregate classification.

Literature cited by the submitters: PubMed 33193576 (cited by Labcorp Genetics (formerly Invitae), Labcorp and OMIM); PubMed 26424569 (cited by Labcorp Genetics (formerly Invitae), Labcorp).

NM_207585.3(IFNAR2):c.236del (p.Asp78_Leu79insTer)

Genes: IFNAR2 (interferon alpha and beta receptor subunit 2; plus strand), IFNAR2-IL10RB (IFNAR2-IL10RB readthrough; plus strand). Cytogenetic location: 21q22.11.
Variant type: Deletion.
Coding change: c.236del on transcript NM_207585.3; coding-DNA position 236, one base deleted (T; older notation c.236delT).
Protein change: p.Asp78_Leu79insTer.
Genome position (GRCh38, 1-based): chr21:33,246,732, T deleted; the last of 3 consecutive T bases (chr21:33,246,730-33,246,732); deleting any one gives the same sequence. VCF-style (leftmost placement, unchanged base first): chr21-33246729-AT-A. GRCh37 (hg19) VCF-style: chr21-34619034-AT-A.
Other names: c.234delT (NM_207585.2); c.236del, p.Asp78_Leu79insTer (NM_000874.5, NM_001289125.3, NM_001289126.2 and 4 more transcripts); c.236del (NM_207585.2).
Identifiers: ClinVar variation 977219 (VCV000977219.14), dbSNP rs1310889473, ClinGen allele CA638052741.